The following is an entry in ClinVar:

NM_005026.5(PIK3CD):c.2041G>A (p.Val681Met)

Gene: PIK3CD (phosphatidylinositol-4,5-bisphosphate 3-kinase catalytic subunit delta; plus strand). Cytogenetic location: 1p36.22.
Variant type: single nucleotide variant.
Coding change: c.2041G>A on transcript NM_005026.5 (MANE Select); coding-DNA position 2041, G replaced by A.
Protein change: p.Val681Met; replaces valine 681 with methionine.
Molecular consequence: missense variant.
Genome position (GRCh38, 1-based): chr1:9,721,846, G>A. VCF-style: chr1-9721846-G-A. GRCh37 (hg19) VCF-style: chr1-9781904-G-A.
Other names: c.2038G>A, p.Val680Met (NM_001350234.2); c.1954G>A, p.Val652Met (NM_001350235.1); short protein forms V681M, V652M, V680M.
Identifiers: ClinVar variation 2118447 (VCV002118447.4), dbSNP rs2525078445, ClinGen allele CA338304879.

ClinVar aggregate classification (germline): Uncertain significance (1 of 4 stars; one submission).

Conditions:
Immunodeficiency 14 (IMD14A). Also called: IMMUNODEFICIENCY 14A WITH LYMPHOPROLIFERATION, AUTOSOMAL DOMINANT; Activated PI3K Delta Syndrome Type 1 (APDS1); p110-DELTA-ACTIVATING MUTATION CAUSING SENESCENT T CELLS, LYMPHADENOPATHY, AND IMMUNODEFICIENCY; ACTIVATED PI3K-DELTA SYNDROME 1. Identifiers: Orphanet 397596, Orphanet 693661, MedGen C5907821, MONDO:0014222, OMIM 615513.

Submission:

Labcorp Genetics (formerly Invitae), Labcorp
Classification: Uncertain significance for Activated PI3K-delta syndrome. Last evaluated: 2022-03-27. Review status: criteria provided, single submitter. Criteria: Invitae Variant Classification Sherloc (09022015). Collection method: clinical testing. Allele origin: germline.
Comment: In summary, the available evidence is currently insufficient to determine the role of this variant in disease. Therefore, it has been classified as a Variant of Uncertain Significance. Algorithms developed to predict the effect of missense changes on protein structure and function are either unavailable or do not agree on the potential impact of this missense change (SIFT: "Tolerated"; PolyPhen-2: "Possibly Damaging"; Align-GVGD: "Class C0"). This variant has not been reported in the literature in individuals affected with PIK3CD-related conditions. This variant is not present in population databases (gnomAD no frequency). This sequence change replaces valine, which is neutral and non-polar, with methionine, which is neutral and non-polar, at codon 681 of the PIK3CD protein (p.Val681Met).